The following is an entry in ClinVar:

ClinVar aggregate classification (germline): Pathogenic (1 of 4 stars; one submission).

Submission:

Labcorp Genetics (formerly Invitae), Labcorp
Classification: Pathogenic. Last evaluated: 2020-11-11. Review status: criteria provided, single submitter. Criteria: Invitae Variant Classification Sherloc (09022015). Collection method: clinical testing. Allele origin: germline.
Comment: This sequence change creates a premature translational stop signal (p.Gln356*) in the CYP11B2 gene. It is expected to result in an absent or disrupted protein product. Loss-of-function variants in CYP11B2 are known to be pathogenic (PMID: 20494601, 22801770, 26936515). This variant is not present in population databases (ExAC no frequency). This variant has not been reported in the literature in individuals with CYP11B2-related conditions. For these reasons, this variant has been classified as Pathogenic.

Literature cited by the submitters: PubMed 20494601; PubMed 22801770; PubMed 26936515.

NM_000498.3(CYP11B2):c.1066C>T (p.Gln356Ter)

Genes: CYP11B2 (cytochrome P450 family 11 subfamily B member 2; minus strand), LOC106799834 (CYP11B2 recombination region; plus strand). Cytogenetic location: 8q24.3.
Variant type: single nucleotide variant.
Coding change: c.1066C>T on transcript NM_000498.3 (MANE Select); coding-DNA position 1066, C replaced by T.
Protein change: p.Gln356Ter; replaces glutamine 356 with a stop codon.
Molecular consequence: nonsense.
Genome position (GRCh38, 1-based): chr8:142,913,340, G>A on the plus strand (C>T on the coding strand, the complement: CYP11B2 is on the minus strand). VCF-style: chr8-142913340-G-A. GRCh37 (hg19) VCF-style: chr8-143994756-G-A.
Other names: short protein forms Q356*.
Identifiers: ClinVar variation 1416764 (VCV001416764.6), dbSNP rs2130326488, ClinGen allele CA372387796.